The following is an entry in ClinVar:

NM_213655.5(WNK1):c.3328T>A (p.Tyr1110Asn)

Gene: WNK1 (WNK lysine deficient protein kinase 1; plus strand). Cytogenetic location: 12p13.33.
Variant type: single nucleotide variant.
Coding change: c.3328T>A on transcript NM_213655.5 (MANE Plus Clinical); coding-DNA position 3328, T replaced by A.
Protein change: p.Tyr1110Asn; replaces tyrosine 1110 with asparagine.
Molecular consequence: missense variant. On other transcripts: intron variant (2).
Genome position (GRCh38, 1-based): chr12:868,799, T>A. VCF-style: chr12-868799-T-A. GRCh37 (hg19) VCF-style: chr12-977965-T-A.
Other names: c.3073T>A, p.Tyr1025Asn (NM_001184985.2); c.2140-2466T>A (NM_018979.4, NM_014823.3); short protein forms Y1110N, Y1025N.
Identifiers: ClinVar variation 2950920 (VCV002950920.3), dbSNP rs1200796841, ClinGen allele CA383341870.

ClinVar aggregate classification (germline): Uncertain significance (1 of 4 stars; one submission).

Conditions:
Neuropathy, hereditary sensory and autonomic, type 2A (HSAN2A). Also called: HSAN IIA; WNK1-Related HSAN2 (HSAN2A); ACROOSTEOLYSIS, GIACCAI TYPE; ACROOSTEOLYSIS, NEUROGENIC; MORVAN DISEASE; NEUROPATHY, CONGENITAL SENSORY. Identifiers: Orphanet 970, MedGen C2752089, MONDO:0024309, OMIM 201300.
Pseudohypoaldosteronism type 2C (PHA2C). Also called: Pseudohypoaldosteronism Type IIC. Identifiers: Orphanet 757, Orphanet 88940, MedGen C1840391, MONDO:0013778, OMIM 614492.

Allele frequency attached by ClinVar (database versions not stated): gnomAD exomes below 0.00001.
gnomAD v4.1: 5 of 1,614,012 alleles (0.00031%); highest among the groups gnomAD compares: Non-Finnish European, 0.00042%; no homozygotes.

Submission:

Labcorp Genetics (formerly Invitae), Labcorp
Classification: Uncertain significance for Neuropathy, hereditary sensory and autonomic, type 2A; Pseudohypoaldosteronism type 2C. Last evaluated: 2024-02-29. Review status: criteria provided, single submitter. Criteria: Invitae Variant Classification Sherloc (09022015). Collection method: clinical testing. Allele origin: germline.
Comment: This sequence change replaces tyrosine, which is neutral and polar, with asparagine, which is neutral and polar, at codon 1110 of the WNK1 protein (p.Tyr1110Asn). This variant is present in population databases (no rsID available, gnomAD 0.0009%). This variant has not been reported in the literature in individuals affected with WNK1-related conditions. Advanced modeling of protein sequence and biophysical properties (such as structural, functional, and spatial information, amino acid conservation, physicochemical variation, residue mobility, and thermodynamic stability) performed at Invitae indicates that this missense variant is not expected to disrupt WNK1 protein function with a negative predictive value of 95%. In summary, the available evidence is currently insufficient to determine the role of this variant in disease. Therefore, it has been classified as a Variant of Uncertain Significance.